The following is an entry in ClinVar:

ClinVar aggregate classification (germline): Uncertain significance (1 of 4 stars; one submission).

Conditions:
Congenital contractural arachnodactyly (CCA). Also called: BEALS SYNDROME; Beals-Hecht syndrome; Arthrogryposis, distal, type 9. Identifiers: Orphanet 115, MedGen C0220668, MONDO:0007363, OMIM 121050.

Allele frequency attached by ClinVar (database versions not stated): gnomAD exomes below 0.00001.
gnomAD v4.1: 1 of 1,613,764 alleles (0.000062%); highest among the groups gnomAD compares: Non-Finnish European, 0.000085%; no homozygotes.

Submission:

Labcorp Genetics (formerly Invitae), Labcorp
Classification: Uncertain significance for Congenital contractural arachnodactyly. Last evaluated: 2022-02-27. Review status: criteria provided, single submitter. Criteria: Invitae Variant Classification Sherloc (09022015). Collection method: clinical testing. Allele origin: germline.
Comment: This variant is not present in population databases (gnomAD no frequency). In summary, the available evidence is currently insufficient to determine the role of this variant in disease. Therefore, it has been classified as a Variant of Uncertain Significance. Advanced modeling of protein sequence and biophysical properties (such as structural, functional, and spatial information, amino acid conservation, physicochemical variation, residue mobility, and thermodynamic stability) performed at Invitae indicates that this missense variant is expected to disrupt FBN2 protein function. This variant has not been reported in the literature in individuals affected with FBN2-related conditions. This sequence change replaces cysteine, which is neutral and slightly polar, with tyrosine, which is neutral and polar, at codon 1917 of the FBN2 protein (p.Cys1917Tyr).

NM_001999.4(FBN2):c.5750G>A (p.Cys1917Tyr)

Gene: FBN2 (fibrillin 2; minus strand). Cytogenetic location: 5q23.3.
Variant type: single nucleotide variant.
Coding change: c.5750G>A on transcript NM_001999.4 (MANE Select); coding-DNA position 5750, G replaced by A.
Protein change: p.Cys1917Tyr; replaces cysteine 1917 with tyrosine.
Molecular consequence: missense variant.
Genome position (GRCh38, 1-based): chr5:128,305,007, C>T on the plus strand (G>A on the coding strand, the complement: FBN2 is on the minus strand). VCF-style: chr5-128305007-C-T. GRCh37 (hg19) VCF-style: chr5-127640699-C-T.
Other names: short protein forms C1917Y.
Identifiers: ClinVar variation 1968571 (VCV001968571.5), dbSNP rs2479723250, ClinGen allele CA360739936.
Genomic context (GRCh38, chr5:128,305,007, plus strand): 5'-CCCTTCTTACCCATGCACATGGTCTGGTCCTGAGAAGCCTTAAAGCCATTGTGGCAGATG[C>T]ACTGGTAACTTCCTTGCAGATCAACACACAAGCCATGACTGCAAACGTTAGGAATTTCTA-3'
Protein context (NP_001990.2, residues 1907-1927): LCVDLQGSYQ[Cys1917Tyr]ICHNGFKASQ